The following is an entry in ClinVar:

ClinVar aggregate classification (germline): Uncertain significance. Review status: criteria provided, multiple submitters, no conflicts (2 of 4 stars). 2 submissions from 2 submitters: Uncertain significance (2). Last evaluated 2024-09-26.

Allele frequency attached by ClinVar (database versions not stated): ExAC 0.00002; gnomAD 0.00002; gnomAD exomes 0.00002; TOPMed 0.00002; 1000 Genomes Project 30x 0.00016; 1000 Genomes Project 0.00020.
gnomAD v4.1: 33 of 1,613,784 alleles (0.002%); highest among the groups gnomAD compares: South Asian, 0.0033%; 1 homozygote.

Submissions (2):

Ambry Genetics
Classification: Uncertain significance. Last evaluated: 2024-09-26. Review status: criteria provided, single submitter. Criteria: Ambry Variant Classification Scheme 2023. Collection method: clinical testing. Allele origin: germline.

Labcorp Genetics (formerly Invitae), Labcorp
Classification: Uncertain significance. Last evaluated: 2022-10-17. Review status: criteria provided, single submitter. Criteria: Invitae Variant Classification Sherloc (09022015). Collection method: clinical testing. Allele origin: germline.
Comment: In summary, the available evidence is currently insufficient to determine the role of this variant in disease. Therefore, it has been classified as a Variant of Uncertain Significance. Algorithms developed to predict the effect of missense changes on protein structure and function are either unavailable or do not agree on the potential impact of this missense change (SIFT: "Deleterious"; PolyPhen-2: "Probably Damaging"; Align-GVGD: "Class C0"). This variant has not been reported in the literature in individuals affected with ZDBF2-related conditions. This variant is present in population databases (rs544074324, gnomAD 0.004%). This sequence change replaces arginine, which is basic and polar, with tryptophan, which is neutral and slightly polar, at codon 774 of the ZDBF2 protein (p.Arg774Trp).

NM_020923.3(ZDBF2):c.2320C>T (p.Arg774Trp)

Gene: ZDBF2 (zinc finger DBF-type containing 2; plus strand). Cytogenetic location: 2q33.3.
Variant type: single nucleotide variant.
Coding change: c.2320C>T on transcript NM_020923.3 (MANE Select); coding-DNA position 2320, C replaced by T.
Protein change: p.Arg774Trp; replaces arginine 774 with tryptophan.
Molecular consequence: missense variant.
Genome position (GRCh38, 1-based): chr2:206,306,848, C>T. VCF-style: chr2-206306848-C-T. GRCh37 (hg19) VCF-style: chr2-207171572-C-T.
Other names: c.2314C>T, p.Arg772Trp (NM_001285549.2); c.2320C>T, p.Arg774Trp (NM_001369654.1); c.2320C>T (NM_020923.1); short protein forms R774W, R772W.
Identifiers: ClinVar variation 2194388 (VCV002194388.5), dbSNP rs544074324, ClinGen allele CA2071995.